The following is an entry in ClinVar:

NM_022168.4(IFIH1):c.622+41C>G

Gene: IFIH1 (interferon induced with helicase C domain 1; minus strand). Cytogenetic location: 2q24.2.
Variant type: single nucleotide variant.
Coding change: c.622+41C>G on transcript NM_022168.4 (MANE Select); 41 bases into the intron after coding-DNA position 622, C replaced by G.
Molecular consequence: intron variant.
Genome position (GRCh38, 1-based): chr2:162,310,724, G>C on the plus strand (C>G on the coding strand, the complement: IFIH1 is on the minus strand). VCF-style: chr2-162310724-G-C. GRCh37 (hg19) VCF-style: chr2-163167234-G-C.
Identifiers: ClinVar variation 5039914 (VCV005039914.1).

ClinVar aggregate classification (germline): Likely benign (1 of 4 stars; one submission).

gnomAD v4.1: 52 of 1,536,016 alleles (0.0034%); highest among the groups gnomAD compares: Admixed American, 0.088%; no homozygotes.

Submission:

CeGaT Center for Human Genetics Tuebingen
Classification: Likely benign. Last evaluated: 2026-08-01. Review status: criteria provided, single submitter. Criteria: CeGaT Center For Human Genetics Tuebingen Variant Classification Criteria Version 2. Collection method: clinical testing. Allele origin: germline. Affected: yes. Observed: 2 variant alleles.
Comment: IFIH1: BP4, BP7